The following is an entry in ClinVar:

NM_001384474.1(LOXHD1):c.610+2T>A

Gene: LOXHD1 (lipoxygenase homology PLAT domains 1; minus strand). Cytogenetic location: 18q21.1.
Variant type: single nucleotide variant.
Coding change: c.610+2T>A on transcript NM_001384474.1 (MANE Select); the canonical splice donor site of the intron after coding-DNA position 610, T replaced by A.
Molecular consequence: splice donor variant.
Genome position (GRCh38, 1-based): chr18:46,618,190, A>T on the plus strand (T>A on the coding strand, the complement: LOXHD1 is on the minus strand). VCF-style: chr18-46618190-A-T. GRCh37 (hg19) VCF-style: chr18-44198153-A-T.
Other names: c.610+2T>A (NM_144612.7).
Identifiers: ClinVar variation 2106145 (VCV002106145.5), dbSNP rs2511978435, ClinGen allele CA402367258.

ClinVar aggregate classification (germline): Conflicting classifications of pathogenicity. Review status: criteria provided, conflicting classifications (1 of 4 stars). 2 submissions from 2 submitters: Likely pathogenic (1); Uncertain significance (1). Last evaluated 2024-03-27.

Conditions:
Rare genetic deafness. Identifiers: Orphanet 96210, MedGen C5680250.

Submissions (2):

Laboratory for Molecular Medicine, Mass General Brigham Personalized Medicine
Classification: Uncertain significance for Rare genetic deafness. Last evaluated: 2024-03-27. Review status: criteria provided, single submitter. Criteria: ACMG Guidelines, 2015. Collection method: clinical testing. Allele origin: germline.
Comment: The c.610+2T>A variant in LOXHD1 has not been previously reported in individuals with hearing loss and nor in large population studies (gnomAD v.3.1.2) but has also been reported by other clinical laboratories in ClinVar (Variation ID 2106145). This variant occurs within the canonical splice site (+/- 1,2) and is predicted to cause altered splicing leading to an abnormal or absent protein. However, exon 5 (which impacted by the variant) is in frame and consists of only 99 base pairs and encodes less than 10% of the LOXHD1 protein. In summary, while there is some suspicion for a pathogenic role, the clinical significance of this variant is uncertain. ACMG/AMP Criteria applied: ACMG/AMP Criteria applied: PVS1_Moderate, PM2_Supporting.

Labcorp Genetics (formerly Invitae), Labcorp
Classification: Likely pathogenic. Last evaluated: 2022-03-03. Review status: criteria provided, single submitter. Criteria: Invitae Variant Classification Sherloc (09022015). Collection method: clinical testing. Allele origin: germline.
Comment: This sequence change affects a donor splice site in intron 5 of the LOXHD1 gene. It is expected to disrupt RNA splicing. Variants that disrupt the donor or acceptor splice site typically lead to a loss of protein function (PMID: 16199547), and loss-of-function variants in LOXHD1 are known to be pathogenic (PMID: 19732867, 21465660, 25792669). This variant is not present in population databases (gnomAD no frequency). This variant has not been reported in the literature in individuals affected with LOXHD1-related conditions. Algorithms developed to predict the effect of sequence changes on RNA splicing suggest that this variant may disrupt the consensus splice site. In summary, the currently available evidence indicates that the variant is pathogenic, but additional data are needed to prove that conclusively. Therefore, this variant has been classified as Likely Pathogenic.

Literature cited by the submitters: PubMed 16199547 (cited by Labcorp Genetics (formerly Invitae), Labcorp); PubMed 19732867 (cited by Labcorp Genetics (formerly Invitae), Labcorp); PubMed 21465660 (cited by Labcorp Genetics (formerly Invitae), Labcorp); PubMed 25792669 (cited by Labcorp Genetics (formerly Invitae), Labcorp).